The following is an entry in ClinVar:

NM_003467.3(CXCR4):c.708G>A (p.Lys236=)

Gene: CXCR4 (C-X-C motif chemokine receptor 4; minus strand). Cytogenetic location: 2q22.1.
Variant type: single nucleotide variant.
Coding change: c.708G>A on transcript NM_003467.3 (MANE Select); coding-DNA position 708, G replaced by A.
Protein change: p.Lys236=; no amino-acid change (lysine 236 retained).
Molecular consequence: synonymous variant.
Genome position (GRCh38, 1-based): chr2:136,115,220, C>T on the plus strand (G>A on the coding strand, the complement: CXCR4 is on the minus strand). VCF-style: chr2-136115220-C-T. GRCh37 (hg19) VCF-style: chr2-136872790-C-T.
Other names: c.720G>A, p.Lys240= (NM_001008540.2); c.921G>A, p.Lys307= (NM_001348056.2); c.807G>A, p.Lys269= (NM_001348059.2); c.663G>A, p.Lys221= (NM_001348060.2).
Identifiers: ClinVar variation 724626 (VCV000724626.14), dbSNP rs199713103, ClinGen allele CA1890081.

ClinVar aggregate classification (germline): Likely benign. Review status: criteria provided, multiple submitters, no conflicts (2 of 4 stars). 3 submissions from 3 submitters: Likely benign (2). 1 of the submissions does not count toward it. Last evaluated 2026-01-27.

Conditions:
CXCR4-related disorder. Also called: CXCR4-related condition.
Warts, hypogammaglobulinemia, infections, and myelokathexis. Also called: WHIM syndrome. Identifiers: MedGen C0472817, MONDO:0023880.

Allele frequency attached by ClinVar (database versions not stated): gnomAD exomes 0.00002 and 0.00003; ExAC 0.00003; gnomAD 0.00032 and 0.00036; 1000 Genomes Project 0.00060; 1000 Genomes Project 30x 0.00062; TOPMed 0.00085.
gnomAD v4.1: 86 of 1,614,062 alleles (0.0053%); highest among the groups gnomAD compares: Admixed American, 0.11%; 1 homozygote.

Submissions (3):

Labcorp Genetics (formerly Invitae), Labcorp
Classification: Likely benign for Warts, hypogammaglobulinemia, infections, and myelokathexis. Last evaluated: 2026-01-27. Review status: criteria provided, single submitter. Criteria: Invitae Variant Classification Sherloc (09022015). Collection method: clinical testing. Allele origin: germline.

Blueprint Genetics
Classification: Likely benign. Last evaluated: 2022-03-15. Review status: criteria provided, single submitter. Criteria: ACMG Guidelines, 2015. Collection method: clinical testing. Allele origin: germline.

PreventionGenetics, part of Exact Sciences
Classification: Likely benign for CXCR4-related condition. Last evaluated: 2019-05-21. Review status: no assertion criteria provided. Collection method: clinical testing. Allele origin: germline. Not counted in ClinVar's aggregate classification.
Comment: This variant is classified as likely benign based on ACMG/AMP sequence variant interpretation guidelines (Richards et al. 2015 PMID: 25741868, with internal and published modifications).